The following is an entry in ClinVar:

ClinVar aggregate classification (germline): Uncertain significance. Review status: criteria provided, multiple submitters, no conflicts (2 of 4 stars). 3 submissions from 3 submitters: Uncertain significance (3). Last evaluated 2025-03-10.

Conditions:
Pulmonary fibrosis and/or bone marrow failure, Telomere-related, 3. Also called: PULMONARY FIBROSIS AND/OR BONE MARROW FAILURE SYNDROME, TELOMERE-RELATED, 3. Identifiers: Orphanet 2032, MedGen C4225346, MONDO:0014613, OMIM 616373.
Dyskeratosis congenita, autosomal recessive 5 (DKCB5). Identifiers: MedGen C3554656, MONDO:0014076, OMIM 615190.
Inborn genetic diseases. Identifiers: MedGen C0950123, MeSH D030342.

Submissions (3):

Labcorp Genetics (formerly Invitae), Labcorp
Classification: Uncertain significance for Dyskeratosis congenita, autosomal recessive 5; Pulmonary fibrosis and/or bone marrow failure, Telomere-related, 3. Last evaluated: 2025-03-10. Review status: criteria provided, single submitter. Criteria: Invitae Variant Classification Sherloc (09022015). Collection method: clinical testing. Allele origin: germline.
Comment: This sequence change replaces glutamine, which is neutral and polar, with glutamic acid, which is acidic and polar, at codon 905 of the RTEL1 protein (p.Gln905Glu). This variant is present in population databases (rs768610590, gnomAD 0.004%). This variant has not been reported in the literature in individuals affected with RTEL1-related conditions. ClinVar contains an entry for this variant (Variation ID: 918051). An algorithm developed to predict the effect of missense changes on protein structure and function (PolyPhen-2) suggests that this variant is likely to be tolerated. In summary, the available evidence is currently insufficient to determine the role of this variant in disease. Therefore, it has been classified as a Variant of Uncertain Significance.

Ambry Genetics
Classification: Uncertain significance for Inborn genetic diseases. Last evaluated: 2024-12-07. Review status: criteria provided, single submitter. Criteria: Ambry Variant Classification Scheme 2023. Collection method: clinical testing. Allele origin: germline.
Comment: The p.Q905E variant (also known as c.2713C>G), located in coding exon 28 of the RTEL1 gene, results from a C to G substitution at nucleotide position 2713. The glutamine at codon 905 is replaced by glutamic acid, an amino acid with highly similar properties. This amino acid position is conserved. In addition, this alteration is predicted to be tolerated by in silico analysis. Based on the available evidence, the clinical significance of this variant remains unclear.

Godley laboratory, The University of Chicago
Classification: Uncertain significance for Dyskeratosis congenita, autosomal recessive 5. Last evaluated: 2020-05-18. Review status: criteria provided, single submitter. Criteria: ACMG Guidelines, 2015. Collection method: clinical testing. Allele origin: germline. Inheritance: Autosomal dominant inheritance. Affected: yes.

NM_001283009.2(RTEL1):c.2713C>G (p.Gln905Glu)

Genes: RTEL1 (regulator of telomere elongation helicase 1; plus strand), RTEL1-TNFRSF6B (RTEL1-TNFRSF6B readthrough (NMD candidate); plus strand). Cytogenetic location: 20q13.33.
Variant type: single nucleotide variant.
Coding change: c.2713C>G on transcript NM_001283009.2 (MANE Select); coding-DNA position 2713, C replaced by G.
Protein change: p.Gln905Glu; replaces glutamine 905 with glutamic acid.
Molecular consequence: missense variant. On other transcripts: non-coding transcript variant (1).
Genome position (GRCh38, 1-based): chr20:63,692,865, C>G. VCF-style: chr20-63692865-C-G. GRCh37 (hg19) VCF-style: chr20-62324218-C-G.
Other names: c.2044C>G, p.Gln682Glu (NM_001283010.1); c.2713C>G, p.Gln905Glu (NM_016434.4); c.2785C>G, p.Gln929Glu (NM_032957.5); short protein forms Q682E, Q929E, Q905E.
Identifiers: ClinVar variation 918051 (VCV000918051.4), dbSNP rs768610590, ClinGen allele CA9965507.